The following is an entry in ClinVar:

NM_003982.4(SLC7A7):c.1053C>G (p.Ile351Met)

Gene: SLC7A7 (solute carrier family 7 member 7; minus strand). Cytogenetic location: 14q11.2.
Variant type: single nucleotide variant.
Coding change: c.1053C>G on transcript NM_003982.4 (MANE Select); coding-DNA position 1053, C replaced by G.
Protein change: p.Ile351Met; replaces isoleucine 351 with methionine.
Molecular consequence: missense variant.
Genome position (GRCh38, 1-based): chr14:22,775,486, G>C on the plus strand (C>G on the coding strand, the complement: SLC7A7 is on the minus strand). VCF-style: chr14-22775486-G-C. GRCh37 (hg19) VCF-style: chr14-23244695-G-C.
Other names: c.1053C>G, p.Ile351Met (NM_001126105.3, NM_001126106.4); short protein forms I351M.
Identifiers: ClinVar variation 1502962 (VCV001502962.9), dbSNP rs1384004540, ClinGen allele CA388923023.
Genomic context (GRCh38, chr14:22,775,486, plus strand): 5'-ATCCTTGAGTTCACTTACATTGAAGAGCAGAGAAGGCACTGGTGTGAACCGCTCAACATG[G>C]ATCATGCAGATGGCATCAGGGAGATGGCCTTCTCTTGAGCCCACAAAGAAAAGCCTATGT-3'
Protein context (NP_003973.3, residues 341-361): EGHLPDAICM[Ile351Met]HVERFTPVPS

ClinVar aggregate classification (germline): Uncertain significance (1 of 4 stars; one submission).

Conditions:
Lysinuric protein intolerance (LPI). Identifiers: Orphanet 470, MedGen C0268647, MONDO:0009109, OMIM 222700.

Allele frequency attached by ClinVar (database versions not stated): gnomAD 0.00001; gnomAD exomes 0.00001; TOPMed 0.00001.
gnomAD v4.1: 6 of 1,614,044 alleles (0.00037%); highest among the groups gnomAD compares: Non-Finnish European, 0.00051%; no homozygotes.

Submission:

Labcorp Genetics (formerly Invitae), Labcorp
Classification: Uncertain significance for Lysinuric protein intolerance. Last evaluated: 2024-01-22. Review status: criteria provided, single submitter. Criteria: Invitae Variant Classification Sherloc (09022015). Collection method: clinical testing. Allele origin: germline.
Comment: This sequence change replaces isoleucine, which is neutral and non-polar, with methionine, which is neutral and non-polar, at codon 351 of the SLC7A7 protein (p.Ile351Met). This variant is not present in population databases (gnomAD no frequency). This variant has not been reported in the literature in individuals affected with SLC7A7-related conditions. ClinVar contains an entry for this variant (Variation ID: 1502962). An algorithm developed to predict the effect of missense changes on protein structure and function (PolyPhen-2) suggests that this variant is likely to be disruptive. In summary, the available evidence is currently insufficient to determine the role of this variant in disease. Therefore, it has been classified as a Variant of Uncertain Significance.